The following is an entry in ClinVar:

NM_001375.3(DNASE2):c.106C>T (p.Pro36Ser)

Genes: DNASE2 (deoxyribonuclease 2, lysosomal; minus strand), LOC117125588 (CRISPRi-FlowFISH-validated KLF1 regulatory element 1; plus strand). Cytogenetic location: 19p13.13.
Variant type: single nucleotide variant.
Coding change: c.106C>T on transcript NM_001375.3 (MANE Select); coding-DNA position 106, C replaced by T.
Protein change: p.Pro36Ser; replaces proline 36 with serine.
Molecular consequence: missense variant.
Genome position (GRCh38, 1-based): chr19:12,881,133, G>A on the plus strand (C>T on the coding strand, the complement: DNASE2 is on the minus strand). VCF-style: chr19-12881133-G-A. GRCh37 (hg19) VCF-style: chr19-12991947-G-A.
Other names: short protein forms P36S.
Identifiers: ClinVar variation 1355867 (VCV001355867.8), dbSNP rs1334900920, ClinGen allele CA404303802.

ClinVar aggregate classification (germline): Uncertain significance (1 of 4 stars; one submission).

Submission:

Labcorp Genetics (formerly Invitae), Labcorp
Classification: Uncertain significance. Last evaluated: 2021-05-21. Review status: criteria provided, single submitter. Criteria: Invitae Variant Classification Sherloc (09022015). Collection method: clinical testing. Allele origin: germline.
Comment: Algorithms developed to predict the effect of missense changes on protein structure and function (SIFT, PolyPhen-2, Align-GVGD) all suggest that this variant is likely to be disruptive, but these predictions have not been confirmed by published functional studies and their clinical significance is uncertain. This variant has not been reported in the literature in individuals with DNASE2-related conditions. This variant is not present in population databases (ExAC no frequency). This sequence change replaces proline with serine at codon 36 of the DNASE2 protein (p.Pro36Ser). The proline residue is highly conserved and there is a moderate physicochemical difference between proline and serine. In summary, the available evidence is currently insufficient to determine the role of this variant in disease. Therefore, it has been classified as a Variant of Uncertain Significance.